The following is an entry in ClinVar:

NM_001286577.2(C2CD3):c.1643T>C (p.Met548Thr)

Gene: C2CD3 (C2 domain containing 3 centriole elongation regulator; minus strand). Cytogenetic location: 11q13.4.
Variant type: single nucleotide variant.
Coding change: c.1643T>C on transcript NM_001286577.2 (MANE Select); coding-DNA position 1643, T replaced by C.
Protein change: p.Met548Thr; replaces methionine 548 with threonine.
Molecular consequence: missense variant.
Genome position (GRCh38, 1-based): chr11:74,114,471, A>G on the plus strand (T>C on the coding strand, the complement: C2CD3 is on the minus strand). VCF-style: chr11-74114471-A-G. GRCh37 (hg19) VCF-style: chr11-73825516-A-G.
Other names: c.1643T>C, p.Met548Thr (NM_015531.6); short protein forms M548T.
Identifiers: ClinVar variation 2088620 (VCV002088620.4), dbSNP rs200786233, ClinGen allele CA6182896.

ClinVar aggregate classification (germline): Uncertain significance (1 of 4 stars; one submission).

Allele frequency attached by ClinVar (database versions not stated): gnomAD exomes below 0.00001; TOPMed below 0.00001; ExAC 0.00001; gnomAD 0.00001; 1000 Genomes Project 0.00020; 1000 Genomes Project 30x 0.00031.
gnomAD v4.1: 2 of 1,613,988 alleles (0.00012%); highest among the groups gnomAD compares: Admixed American, 0.0017%; no homozygotes.

Submission:

Labcorp Genetics (formerly Invitae), Labcorp
Classification: Uncertain significance. Last evaluated: 2022-07-09. Review status: criteria provided, single submitter. Criteria: Invitae Variant Classification Sherloc (09022015). Collection method: clinical testing. Allele origin: germline.
Comment: This variant has not been reported in the literature in individuals affected with C2CD3-related conditions. Algorithms developed to predict the effect of missense changes on protein structure and function are either unavailable or do not agree on the potential impact of this missense change (SIFT: "Deleterious"; PolyPhen-2: "Benign"; Align-GVGD: "Class C0"). In summary, the available evidence is currently insufficient to determine the role of this variant in disease. Therefore, it has been classified as a Variant of Uncertain Significance. This variant is present in population databases (rs200786233, gnomAD 0.003%). This sequence change replaces methionine, which is neutral and non-polar, with threonine, which is neutral and polar, at codon 548 of the C2CD3 protein (p.Met548Thr).